The following is an entry in ClinVar:

NM_004991.4(MECOM):c.2759G>T (p.Arg920Leu)

Gene: MECOM (MDS1 and EVI1 complex locus; minus strand). Cytogenetic location: 3q26.2.
Variant type: single nucleotide variant.
Coding change: c.2759G>T on transcript NM_004991.4 (MANE Select); coding-DNA position 2759, G replaced by T.
Protein change: p.Arg920Leu; replaces arginine 920 with leucine.
Molecular consequence: missense variant.
Genome position (GRCh38, 1-based): chr3:169,102,072, C>A on the plus strand (G>T on the coding strand, the complement: MECOM is on the minus strand). VCF-style: chr3-169102072-C-A. GRCh37 (hg19) VCF-style: chr3-168819860-C-A.
Other names: c.2198G>T, p.Arg733Leu (NM_001366468.2, NM_001366467.2); c.2195G>T, p.Arg732Leu (NM_001366469.2, NM_005241.4, NM_001105078.4 and 1 more transcripts); c.2171G>T, p.Arg724Leu (NM_001366470.2, NM_001163999.2); c.2168G>T, p.Arg723Leu (NM_001366471.2, NM_001366472.2, NM_001164000.2); c.1760G>T, p.Arg587Leu (NM_001366473.2); c.1196G>T, p.Arg399Leu (NM_001366474.2); c.2390G>T, p.Arg797Leu (NM_001105077.4); c.2732G>T, p.Arg911Leu (NM_001366466.2); short protein forms R732L, R399L, R587L, R723L, R724L, R733L, R797L, R911L.
Identifiers: ClinVar variation 4105838 (VCV004105838.1).

ClinVar aggregate classification (germline): Uncertain significance (1 of 4 stars; one submission).

Conditions:
Inborn genetic diseases. Identifiers: MedGen C0950123, MeSH D030342.

Submission:

Ambry Genetics
Classification: Uncertain significance for Inborn genetic diseases. Last evaluated: 2025-08-08. Review status: criteria provided, single submitter. Criteria: Ambry Variant Classification Scheme 2023. Collection method: clinical testing. Allele origin: germline.
Comment: The p.R920L variant (also known as c.2759G>T), located in coding exon 11 of the MECOM gene, results from a G to T substitution at nucleotide position 2759. The arginine at codon 920 is replaced by leucine, an amino acid with dissimilar properties. This amino acid position is conserved. In addition, the in silico prediction for this alteration is inconclusive. Based on the available evidence, the clinical significance of this variant remains unclear.